The following is an entry in ClinVar:

ClinVar aggregate classification (germline): Likely benign. Review status: criteria provided, multiple submitters, no conflicts (2 of 4 stars). 2 submissions from 2 submitters: Likely benign (2). Last evaluated 2025-04-19.

Allele frequency attached by ClinVar (database versions not stated): gnomAD exomes 0.00002 and 0.00001; ExAC 0.00003.
gnomAD v4.1: 11 of 1,562,876 alleles (0.0007%); highest among the groups gnomAD compares: South Asian, 0.0023%; no homozygotes.

Submissions (2):

Labcorp Genetics (formerly Invitae), Labcorp
Classification: Likely benign. Last evaluated: 2025-04-19. Review status: criteria provided, single submitter. Criteria: Invitae Variant Classification Sherloc (09022015). Collection method: clinical testing. Allele origin: germline.

CeGaT Center for Human Genetics Tuebingen
Classification: Likely benign. Last evaluated: 2025-02-01. Review status: criteria provided, single submitter. Criteria: CeGaT Center For Human Genetics Tuebingen Variant Classification Criteria Version 2. Collection method: clinical testing. Allele origin: germline. Affected: yes. Observed: 1 variant allele.
Comment: TYMP: BP4, BP7

NM_001953.5(TYMP):c.1083C>T (p.Cys361=)

Genes: SCO2 (synthesis of cytochrome C oxidase 2; minus strand), TYMP (thymidine phosphorylase; minus strand), LOC130067862 (ATAC-STARR-seq lymphoblastoid silent region 13986; plus strand). Cytogenetic location: 22q13.33.
Variant type: single nucleotide variant.
Coding change: c.1083C>T on transcript NM_001953.5 (MANE Select); coding-DNA position 1083, C replaced by T.
Protein change: p.Cys361=; no amino-acid change (cysteine 361 retained).
Molecular consequence: synonymous variant. On other transcripts: 5 prime UTR variant (1).
Genome position (GRCh38, 1-based): chr22:50,526,322, G>A on the plus strand (C>T on the coding strand, the complement: TYMP is on the minus strand). VCF-style: chr22-50526322-G-A. GRCh37 (hg19) VCF-style: chr22-50964751-G-A.
Other names: c.1083C>T, p.Cys361= (NM_001113755.3, NM_001113756.3, NM_001257988.1 and 1 more transcripts); c.-90C>T (NM_001169109.2).
Identifiers: ClinVar variation 1105817 (VCV001105817.60), dbSNP rs770295738, ClinGen allele CA10321489.